The following is an entry in ClinVar:

NM_000416.3(IFNGR1):c.841A>G (p.Ile281Val)

Gene: IFNGR1 (interferon gamma receptor 1; minus strand). Cytogenetic location: 6q23.3.
Variant type: single nucleotide variant.
Coding change: c.841A>G on transcript NM_000416.3 (MANE Select); coding-DNA position 841, A replaced by G.
Protein change: p.Ile281Val; replaces isoleucine 281 with valine.
Molecular consequence: missense variant.
Genome position (GRCh38, 1-based): chr6:137,200,901, T>C on the plus strand (A>G on the coding strand, the complement: IFNGR1 is on the minus strand). VCF-style: chr6-137200901-T-C. GRCh37 (hg19) VCF-style: chr6-137522038-T-C.
Other names: c.811A>G, p.Ile271Val (NM_001363526.1); c.718A>G, p.Ile240Val (NM_001363527.1); short protein forms I240V, I271V, I281V.
Identifiers: ClinVar variation 951484 (VCV000951484.1), dbSNP rs1020351398, ClinGen allele CA148226558.

ClinVar aggregate classification (germline): Uncertain significance (1 of 4 stars; one submission).

Conditions:
Immunodeficiency 27A (IMD27A). Also called: IMMUNODEFICIENCY 27A, MYCOBACTERIOSIS, AUTOSOMAL RECESSIVE; IFNGR1 DEFICIENCY, AUTOSOMAL RECESSIVE. Identifiers: Orphanet 319569, Orphanet 99898, MedGen C4011949, MONDO:0008856, OMIM 209950.

Allele frequency attached by ClinVar (database versions not stated): gnomAD exomes below 0.00001; gnomAD 0.00001; TOPMed 0.00001.
gnomAD v4.1: 6 of 1,599,224 alleles (0.00038%); highest among the groups gnomAD compares: African/African-American, 0.0054%; no homozygotes.

Submission:

Labcorp Genetics (formerly Invitae), Labcorp
Classification: Uncertain significance for Disseminated atypical mycobacterial infection. Last evaluated: 2019-05-06. Review status: criteria provided, single submitter. Criteria: Invitae Variant Classification Sherloc (09022015). Collection method: clinical testing. Allele origin: germline.
Comment: This sequence change replaces isoleucine with valine at codon 281 of the IFNGR1 protein (p.Ile281Val). The isoleucine residue is highly conserved and there is a small physicochemical difference between isoleucine and valine. This variant is not present in population databases (ExAC no frequency). This variant has not been reported in the literature in individuals with IFNGR1-related conditions. Algorithms developed to predict the effect of missense changes on protein structure and function output the following: SIFT: "Tolerated"; PolyPhen-2: "Benign"; Align-GVGD: "Class C0". The valine amino acid residue is found in multiple mammalian species, suggesting that this missense change does not adversely affect protein function. These predictions have not been confirmed by published functional studies and their clinical significance is uncertain. In summary, the available evidence is currently insufficient to determine the role of this variant in disease. Therefore, it has been classified as a Variant of Uncertain Significance.